The following is an entry in ClinVar:

ClinVar aggregate classification (germline): Benign. Review status: criteria provided, multiple submitters, no conflicts (2 of 4 stars). 3 submissions from 3 submitters: Benign (2). 1 of the submissions does not count toward it. Last evaluated 2018-11-27.

Conditions:
XIRP2-related disorder. Also called: XIRP2-related condition.

Allele frequency attached by ClinVar (database versions not stated): gnomAD exomes 0.00013 and 0.00028; ExAC 0.00027; ESP Exome Variant Server 0.00091; gnomAD 0.00104 and 0.00112; TOPMed 0.00112; 1000 Genomes Project 0.00120; 1000 Genomes Project 30x 0.00125.
gnomAD v4.1: 374 of 1,613,918 alleles (0.023%); highest among the groups gnomAD compares: African/African-American, 0.29%; 1 homozygote.

Submissions (3):

Labcorp Genetics (formerly Invitae), Labcorp
Classification: Benign. Last evaluated: 2018-11-27. Review status: criteria provided, single submitter. Criteria: Invitae Variant Classification Sherloc (09022015). Collection method: clinical testing. Allele origin: germline.

Breakthrough Genomics
Classification: Benign. Review status: criteria provided, single submitter. Criteria: ACMG Guidelines, 2015. Collection method: not provided. Allele origin: germline. Inheritance: Unknown mechanism. Affected: yes.

PreventionGenetics, part of Exact Sciences
Classification: Likely benign for XIRP2-related condition. Last evaluated: 2019-06-12. Review status: no assertion criteria provided. Collection method: clinical testing. Allele origin: germline. Not counted in ClinVar's aggregate classification.
Comment: This variant is classified as likely benign based on ACMG/AMP sequence variant interpretation guidelines (Richards et al. 2015 PMID: 25741868, with internal and published modifications).

NM_152381.6(XIRP2):c.2049C>T (p.Asp683=)

Gene: XIRP2 (xin actin binding repeat containing 2; plus strand). Cytogenetic location: 2q24.3.
Variant type: single nucleotide variant.
Coding change: c.2049C>T on transcript NM_152381.6 (MANE Select); coding-DNA position 2049, C replaced by T.
Protein change: p.Asp683=; no amino-acid change (aspartic acid 683 retained).
Molecular consequence: synonymous variant. On other transcripts: intron variant (3).
Genome position (GRCh38, 1-based): chr2:167,243,441, C>T. VCF-style: chr2-167243441-C-T. GRCh37 (hg19) VCF-style: chr2-168099951-C-T.
Other names: c.1383C>T, p.Asp461= (NM_001199144.2); c.1275+1531C>T (NM_001199143.2); c.1176+1531C>T (NM_001079810.4); c.510+1531C>T (NM_001199145.2); c.2049C>T (NM_152381.5).
Identifiers: ClinVar variation 710895 (VCV000710895.6), dbSNP rs182527642, ClinGen allele CA1946572.